The following is an entry in ClinVar:

NM_031407.7(HUWE1):c.11578C>A (p.Leu3860Ile)

Gene: HUWE1 (HECT, UBA and WWE domain containing E3 ubiquitin protein ligase 1; minus strand). Cytogenetic location: Xp11.22.
Variant type: single nucleotide variant.
Coding change: c.11578C>A on transcript NM_031407.7 (MANE Select); coding-DNA position 11578, C replaced by A.
Protein change: p.Leu3860Ile; replaces leucine 3860 with isoleucine.
Molecular consequence: missense variant.
Genome position (GRCh38, 1-based): chrX:53,539,711, G>T on the plus strand (C>A on the coding strand, the complement: HUWE1 is on the minus strand). VCF-style: chrX-53539711-G-T. GRCh37 (hg19) VCF-style: chrX-53566672-G-T.
Other names: short protein forms L3860I.
Identifiers: ClinVar variation 4056769 (VCV004056769.1).
Genomic context (GRCh38, chrX:53,539,711, plus strand): 5'-ACTCACCTAGCACCGCATGCTGGTCATGGGATTCCTCTAGTTCCTTTAGACACTCCCCAA[G>T]CATGTCCCACAGCTCGTCCAAACTCAGCTGCTCGCTGAGCAGGGGTAACTCAGGTGGTCT-3'
Protein context (NP_113584.3, residues 3850-3870): QLSLDELWDM[Leu3860Ile]GECLKELEES

ClinVar aggregate classification (germline): Uncertain significance (1 of 4 stars; one submission).

Conditions:
Intellectual developmental disorder, X-linked, syndromic, Turner type. Also called: X-linked intellectual disability, Turner type; Intellectual disability, X-linked syndromic, Turner type. Identifiers: Orphanet 3056, Orphanet 85328, MedGen C2678046, MONDO:0010407, OMIM 309590.

Submission:

Laboratorio de Genetica e Diagnostico Molecular, Hospital Israelita Albert Einstein
Classification: Uncertain significance for Intellectual developmental disorder, X-linked, syndromic, Turner type. Last evaluated: 2024-02-29. Review status: criteria provided, single submitter. Criteria: ACMG Guidelines, 2015. Collection method: clinical testing. Allele origin: germline. Affected: yes.
Comment: ACMG classification criteria: PM2 supporting, PP2 supporting, BP4 supporting